The following is an entry in ClinVar:

NM_206933.4(USH2A):c.7334C>T (p.Ser2445Phe)

Gene: USH2A (usherin; minus strand). Cytogenetic location: 1q41.
Variant type: single nucleotide variant.
Coding change: c.7334C>T on transcript NM_206933.4 (MANE Select); coding-DNA position 7334, C replaced by T.
Protein change: p.Ser2445Phe; replaces serine 2445 with phenylalanine.
Molecular consequence: missense variant.
Genome position (GRCh38, 1-based): chr1:215,900,872, G>A on the plus strand (C>T on the coding strand, the complement: USH2A is on the minus strand). VCF-style: chr1-215900872-G-A. GRCh37 (hg19) VCF-style: chr1-216074214-G-A.
Other names: short protein forms S2445F.
Identifiers: ClinVar variation 48581 (VCV000048581.51), dbSNP rs41315579, ClinGen allele CA143592.
Genomic context (GRCh38, chr1:215,900,872, plus strand): 5'-CCAGGAGCGTTATTACGAGCTGGTGTAGACCAGACAACCTGAAGACTGGTTGGAGTGGCA[G>A]ATGAAAGCCTGGGAGGCAGCACGCCATCTGGAGCTGTCGAAAAACACAGATGAATTAGAG-3'
Protein context (NP_996816.3, residues 2435-2455): PDGVLPPRLS[Ser2445Phe]ATPTSLQVVW

ClinVar aggregate classification (germline): Benign. Review status: reviewed by expert panel (3 of 4 stars). 13 submissions from 13 submitters: Benign (1). 12 of the submissions do not count toward it. Last evaluated 2025-03-12.

Conditions:
Usher syndrome. Also called: Usher Syndromes; Usher's syndrome. Identifiers: Orphanet 886, MedGen CN469326, MeSH D052245, MONDO:0019501. Disease mechanism: loss of function.
Retinitis pigmentosa 39 (RP39). Identifiers: Orphanet 791, MedGen C3151138, MONDO:0013436, OMIM 613809.
Usher syndrome type 2A. Also called: USHER SYNDROME, TYPE IIA; RETINAL DISEASE IN USHER SYNDROME TYPE IIA, MODIFIER OF. Identifiers: Orphanet 231178, Orphanet 886, MedGen C1848634, MONDO:0010169, OMIM 276901.
Retinitis pigmentosa (RP). Identifiers: Orphanet 791, MedGen C0035334, MeSH D012174, MONDO:0019200, OMIM 268000. Inheritance: Autosomal dominant, autosomal recessive and X linked inheritance.
Bardet-Biedl syndrome (BBS). Identifiers: Orphanet 110, MedGen C0752166, MONDO:0015229.

Allele frequency attached by ClinVar (database versions not stated): gnomAD 0.00001 and 0.00023; TOPMed 0.00005; 1000 Genomes Project 30x 0.00078; 1000 Genomes Project 0.00080; gnomAD exomes 0.00084; ExAC 0.00090.
gnomAD v4.1: 556 of 1,613,702 alleles (0.034%); highest among the groups gnomAD compares: South Asian, 0.54%; 4 homozygotes.

Submissions (13):

ClinGen Hearing Loss Variant Curation Expert Panel
Classification: Benign for Usher syndrome. Last evaluated: 2025-03-12. Review status: reviewed by expert panel. Criteria: Clingen Hl Acmg Specifications Cdh23 Coch Gjb2 Kcnq4 Myo6 Myo7a Slc26a4 Tecta Ush2a V2. Collection method: curation. Allele origin: germline. Inheritance: Autosomal recessive inheritance.
Comment: The variant NM_206933.4:c.7334C>T in USH2A is a missense variant predicted to cause substitution of serine by phenylalanine at amino acid 2445 (p.Ser2445Phe). The highest population minor allele frequency in gnomAD v4.1.0 is 0.0054 (489/91072 alleles, 3 homozygotes) for the South Asian population, which is higher than the ClinGen Hearing Loss USH2A threshold (≥0.005) for BA1, and therefore meets this criterion (BA1). The REVEL computational prediction analysis tool produced a score of 0.358, which meets no codes. This variant was reported in one individual with Usher syndrome and one with Retinitis Pigmentosa, though without any evidence of pathogenicity (PM3 not met; PMIDs: 28041643, 33926394). In summary, this variant meets criteria to be classified as benign based on the ACMG/AMP criteria applied, as specified by the Hearing Loss Expert Panel: BA1. (ClinGen Hearing Loss VCEP specifications version 2; 3/12/2025).

Women's Health and Genetics/Laboratory Corporation of America, LabCorp
Classification: Likely benign. Last evaluated: 2026-02-09. Review status: criteria provided, single submitter. Criteria: LabCorp Variant Classification Summary - May 2015. Collection method: clinical testing. Allele origin: germline. Not counted in ClinVar's aggregate classification.
Comment: Variant summary: USH2A c.7334C>T (p.Ser2445Phe) results in a non-conservative amino acid change in the encoded protein sequence. Algorithms developed to predict the effect of missense changes on protein structure and function are either unavailable or do not agree on the potential impact of this missense change. The variant allele was found at a frequency of 0.00034 in 1613702 control chromosomes in the gnomAD database, including 4 homozygotes and found predominantly at a frequency of 0.0054 within the South Asian subpopulation, suggesting the variant may be benign. c.7334C>T has been observed in related individuals affected with Usher Syndrome who were of South Asian ancestry and were only tested for variants in USH2A (Ahmed_2021). The variant has also been reported in an individual affected with retinitis pigmentosa without strong evidence of pathogenicity (Carss_2017). These reports do not provide unequivocal conclusions about association of the variant with Usher Syndrome. To our knowledge, no experimental evidence demonstrating an impact on protein function has been reported. The following publications have been ascertained in the context of this evaluation (PMID: 33926394, 28041643, 37431782, 39004944). ClinVar contains an entry for this variant (Variation ID: 48581). Based on the evidence outlined above, the variant was classified as likely benign.

Labcorp Genetics (formerly Invitae), Labcorp
Classification: Benign. Last evaluated: 2026-01-25. Review status: criteria provided, single submitter. Criteria: Invitae Variant Classification Sherloc (09022015). Collection method: clinical testing. Allele origin: germline. Not counted in ClinVar's aggregate classification.

Blueprint Genetics
Classification: Likely benign. Last evaluated: 2024-10-22. Review status: criteria provided, single submitter. Criteria: ACMG Guidelines, 2015. Collection method: clinical testing. Allele origin: germline. Not counted in ClinVar's aggregate classification.

CeGaT Center for Human Genetics Tuebingen
Classification: Benign. Last evaluated: 2024-07-01. Review status: criteria provided, single submitter. Criteria: CeGaT Center For Human Genetics Tuebingen Variant Classification Criteria Version 2. Collection method: clinical testing. Allele origin: germline. Affected: yes. Observed: 2 variant alleles. Not counted in ClinVar's aggregate classification.
Comment: USH2A: BS1, BS2

Fulgent Genetics
Classification: Likely benign for Usher syndrome type 2A; Retinitis pigmentosa 39. Last evaluated: 2022-05-05. Review status: criteria provided, single submitter. Criteria: ACMG Guidelines, 2015. Collection method: clinical testing. Allele origin: unknown. Not counted in ClinVar's aggregate classification.

GeneDx
Classification: Likely benign. Last evaluated: 2019-08-30. Review status: criteria provided, single submitter. Criteria: GeneDx Variant Classification Process June 2021. Collection method: clinical testing. Allele origin: germline. Affected: yes. Not counted in ClinVar's aggregate classification.
Comment: This variant is associated with the following publications: (PMID: 28041643)

Laboratory for Molecular Medicine, Mass General Brigham Personalized Medicine
Classification: Uncertain significance. Last evaluated: 2011-02-14. Review status: criteria provided, single submitter. Criteria: LMM Criteria. Collection method: clinical testing. Allele origin: germline. Observed: 1 variant allele. Not counted in ClinVar's aggregate classification.
Comment: Variant classified as Uncertain Significance - Favor Pathogenic. The Ser2445Phe variant in USH2A has been previously reported in dbSNP (rs41315579) without freq uency information (one heterozygous submission). The Ser2445 residue is conserve d in several mammals and distant species up to Zebrafish but is replaced by alan ine in mouse and rat. Biochemical and computational analyses (PolyPhen, SIFT and AlignGVGD) suggest that the variant may impact the protein. In addition, the id entification of this variant in this patient with a likely pathogenic variant in USH2A and a phenotype consistent with Usher type 2, increases the likelihood th at this variant is disease-causing. In summary, the clinical significance of thi s variant cannot be determined with certainty at this time; however based upon t he arguments described above, we would lean towards a more likely pathogenic rol e.

Natera, Inc.
Classification: Likely benign for Usher syndrome type 2A. Last evaluated: 2020-01-06. Review status: no assertion criteria provided. Collection method: clinical testing. Allele origin: germline. Not counted in ClinVar's aggregate classification.

Counsyl
Classification: Uncertain significance for Usher syndrome type 2A; Retinitis pigmentosa 39. Last evaluated: 2017-10-09. Review status: no assertion criteria provided. Collection method: clinical testing. Allele origin: unknown. Not counted in ClinVar's aggregate classification.

Department of Pathology and Laboratory Medicine, Sinai Health System
Classification: Uncertain significance. Review status: no assertion criteria provided. Collection method: clinical testing. Allele origin: unknown. Affected: yes. Study: The Canadian Open Genetics Repository (COGR). Not counted in ClinVar's aggregate classification.
Comment: The USH2A p.Ser2445Phe variant was identified in 1 of 1444 proband chromosomes (frequency: 0.00069) from individuals with inherited retinal disease (Carss_2017_PMID:28041643). The variant was identified in dbSNP (ID: rs41315579) and ClinVar (classified as uncertain significance by Laboratory for Molecular Medicine and Counsyl, and as likely pathogenic by NIHR Bioresource Rare Diseases, University of Cambridge). The variant was identified in control databases in 211 of 250880 chromosomes (2 homozygous) at a frequency of 0.000841 increasing the likelihood this could be a low frequency benign variant (Genome Aggregation Database March 6, 2019, v2.1.1). The variant was observed in the following populations: South Asian in 197 of 30616 chromosomes (freq: 0.006435), Other in 2 of 6114 chromosomes (freq: 0.000327), Latino in 3 of 34556 chromosomes (freq: 0.000087), European (non-Finnish) in 8 of 113262 chromosomes (freq: 0.000071) and East Asian in 1 of 18382 chromosomes (freq: 0.000054), but was not observed in the African, Ashkenazi Jewish, or European (Finnish) populations. Although the p.Ser2445 residue is not conserved in mammals and other organisms, computational analyses (PolyPhen-2, SIFT, AlignGVGD, BLOSUM, MutationTaster) suggest that the variant may impact the protein. The variant occurs outside of the splicing consensus sequence and in silico or computational prediction software programs (SpliceSiteFinder, MaxEntScan, NNSPLICE, GeneSplicer) do not predict a difference in splicing. In summary, based on the above information the clinical significance of this variant cannot be determined with certainty at this time. This variant is classified as a variant of uncertain significance.

SN ONGC Dept of Genetics and Molecular biology Vision Research Foundation
Classification: Uncertain significance for Bardet-Biedl syndrome. Last evaluated: 2023-06-02. Review status: flagged submission. Criteria: ACMG Guidelines, 2015. Collection method: research. Allele origin: unknown. Affected: yes. Observed: 1 heterozygote. Not counted in ClinVar's aggregate classification.
Comment: This variant was observed in digenic inheritance with the variant NC_000001.10:g.5964694T>C.
ClinVar note: Reason: Conflicts with expert reviewed submission without evidence to support different classification

NIHR Bioresource Rare Diseases, University of Cambridge
Classification: Likely pathogenic for Retinitis pigmentosa. Last evaluated: 2015-01-01. Review status: flagged submission. Collection method: research. Allele origin: unknown. Affected: yes. Observed: 1 variant allele. Not counted in ClinVar's aggregate classification.
ClinVar note: Reason: Conflicts with expert reviewed submission without evidence to support different classification

Literature cited by the submitters: PubMed 28041643 (cited by 3 submitters); PubMed 37431782 (cited by Women's Health and Genetics/Laboratory Corporation of America, LabCorp); PubMed 33926394 (cited by Women's Health and Genetics/Laboratory Corporation of America, LabCorp); PubMed 39004944 (cited by Women's Health and Genetics/Laboratory Corporation of America, LabCorp).